The following is an entry in ClinVar:

ClinVar aggregate classification (germline): Uncertain significance (1 of 4 stars; one submission).

Conditions:
Inborn genetic diseases. Identifiers: MedGen C0950123, MeSH D030342.

gnomAD v4.1: 3 of 1,613,784 alleles (0.00019%); highest among the groups gnomAD compares: Non-Finnish European, 0.00025%; no homozygotes.

Submission:

Ambry Genetics
Classification: Uncertain significance for Inborn genetic diseases. Last evaluated: 2025-03-20. Review status: criteria provided, single submitter. Criteria: Ambry Variant Classification Scheme 2023. Collection method: clinical testing. Allele origin: germline.
Comment: The p.S1936F variant (also known as c.5807C>T), located in coding exon 22 of the FANCM gene, results from a C to T substitution at nucleotide position 5807. The serine at codon 1936 is replaced by phenylalanine, an amino acid with highly dissimilar properties. This amino acid position is conserved. In addition, the in silico prediction for this alteration is inconclusive. Based on the available evidence, the clinical significance of this variant remains unclear.

NM_020937.4(FANCM):c.5807C>T (p.Ser1936Phe)

Gene: FANCM (FA complementation group M; plus strand). Cytogenetic location: 14q21.2.
Variant type: single nucleotide variant.
Coding change: c.5807C>T on transcript NM_020937.4 (MANE Select); coding-DNA position 5807, C replaced by T.
Protein change: p.Ser1936Phe; replaces serine 1936 with phenylalanine.
Molecular consequence: missense variant.
Genome position (GRCh38, 1-based): chr14:45,198,734, C>T. VCF-style: chr14-45198734-C-T. GRCh37 (hg19) VCF-style: chr14-45667937-C-T.
Other names: c.5729C>T, p.Ser1910Phe (NM_001308133.2); short protein forms S1936F, S1910F.
Identifiers: ClinVar variation 4022592 (VCV004022592.1).
Genomic context (GRCh38, chr14:45,198,734, plus strand): 5'-AGAGCTATGACAGCCTGCTGACTACCTTAATTGGCGCTGGAATCCGAATTCTTTTCAGTT[C>T]CTGCCAAGAAGAAACCGCAGATTTGCTAAAGGAACTGTCTTTAGTGGAACAAAGAAAGAA-3'
Protein context (NP_065988.1, residues 1926-1946): IGAGIRILFS[Ser1936Phe]CQEETADLLK